The following is an entry in ClinVar:

NM_007294.4(BRCA1):c.-79G>T

Genes: BRCA1 (BRCA1 DNA repair associated; minus strand), LOC111589215 (BRCA1 promoter region; plus strand). Cytogenetic location: 17q21.31.
Variant type: single nucleotide variant.
Coding change: c.-79G>T on transcript NM_007294.4 (MANE Select); 79 bases upstream of the start codon, G replaced by T.
Molecular consequence: 5 prime UTR variant. On other transcripts: non-coding transcript variant (1).
Genome position (GRCh38, 1-based): chr17:43,125,330, C>A on the plus strand (G>T on the coding strand, the complement: BRCA1 is on the minus strand). VCF-style: chr17-43125330-C-A. GRCh37 (hg19) VCF-style: chr17-41277347-C-A.
Other names: c.-160G>T (NM_007297.4); c.-73G>T (NM_007299.4); c.-79G>T (NM_007300.4).
Identifiers: ClinVar variation 1692977 (VCV001692977.1), dbSNP rs1158334695, ClinGen allele CA626087562.

ClinVar aggregate classification (germline): Uncertain significance (1 of 4 stars; one submission).

Conditions:
Hereditary cancer-predisposing syndrome. Also called: Hereditary neoplastic syndrome; Tumor predisposition; Neoplastic Syndromes, Hereditary; Hereditary Cancer Syndrome. Identifiers: Orphanet 140162, MedGen C0027672, MeSH D009386, MONDO:0015356.

Submission:

Sema4
Classification: Uncertain significance for Hereditary cancer-predisposing syndrome. Last evaluated: 2021-07-20. Review status: criteria provided, single submitter. Criteria: Sema4 Curation Guidelines. Collection method: curation. Allele origin: germline.
Comment: The BRCA1 c.-79G>T variant has been reported in at least one individual with breast cancer (PMID: 29236234). It was not observed in the large and broad cohorts of the Genome Aggregation Database (PMID: 32461654). The variant has not been reported in ClinVar. The evidence is insufficient to meet ACMG/AMP criteria for classifying the variant as benign or pathogenic. Thus, the clinical significance of this variant is currently uncertain.

Literature cited by the submitters: PubMed 29236234.